The following is an entry in ClinVar:

ClinVar aggregate classification (germline): Uncertain significance. Review status: criteria provided, multiple submitters, no conflicts (2 of 4 stars). 2 submissions from 2 submitters: Uncertain significance (2). Last evaluated 2025-04-13.

Conditions:
Inborn genetic diseases. Identifiers: MedGen C0950123, MeSH D030342.

Allele frequency attached by ClinVar (database versions not stated): ExAC 0.00001; gnomAD exomes below 0.00001.
gnomAD v4.1: 2 of 1,613,398 alleles (0.00012%); highest among the groups gnomAD compares: Non-Finnish European, 0.00017%; no homozygotes.

Submissions (2):

Ambry Genetics
Classification: Uncertain significance for Inborn genetic diseases. Last evaluated: 2025-04-13. Review status: criteria provided, single submitter. Criteria: Ambry Variant Classification Scheme 2023. Collection method: clinical testing. Allele origin: germline.

GeneDx
Classification: Uncertain significance. Last evaluated: 2020-06-24. Review status: criteria provided, single submitter. Criteria: GeneDx Variant Classification Process June 2021. Collection method: clinical testing. Allele origin: germline. Affected: yes.
Comment: Not observed at a significant frequency in large population cohorts (Lek et al., 2016); In silico analysis supports that this missense variant does not alter protein structure/function; Has not been previously published as pathogenic or benign to our knowledge

NM_001206999.2(CIT):c.4580C>T (p.Ala1527Val)

Gene: CIT (citron rho-interacting serine/threonine kinase; minus strand). Cytogenetic location: 12q24.23.
Variant type: single nucleotide variant.
Coding change: c.4580C>T on transcript NM_001206999.2 (MANE Select); coding-DNA position 4580, C replaced by T.
Protein change: p.Ala1527Val; replaces alanine 1527 with valine.
Molecular consequence: missense variant.
Genome position (GRCh38, 1-based): chr12:119,712,695, G>A on the plus strand (C>T on the coding strand, the complement: CIT is on the minus strand). VCF-style: chr12-119712695-G-A. GRCh37 (hg19) VCF-style: chr12-120150500-G-A.
Other names: c.4454C>T, p.Ala1485Val (NM_007174.3); short protein forms A1485V, A1527V.
Identifiers: ClinVar variation 1312816 (VCV001312816.3), dbSNP rs748313870, ClinGen allele CA6821165.